The following is an entry in ClinVar:

ClinVar aggregate classification (germline): Uncertain significance (1 of 4 stars; one submission).

Submission:

CeGaT Center for Human Genetics Tuebingen
Classification: Uncertain significance. Last evaluated: 2022-04-01. Review status: criteria provided, single submitter. Criteria: CeGaT Center For Human Genetics Tuebingen Variant Classification Criteria Version 2. Collection method: clinical testing. Allele origin: germline. Affected: yes. Observed: 1 variant allele.
Comment: FBXO11: PM2:Supporting, BP4

NM_001190274.2(FBXO11):c.2397C>T (p.Asn799=)

Genes: FBXO11 (F-box protein 11; minus strand), MSH6 (mutS homolog 6; plus strand). Cytogenetic location: 2p16.3.
Variant type: single nucleotide variant.
Coding change: c.2397C>T on transcript NM_001190274.2 (MANE Select); coding-DNA position 2397, C replaced by T.
Protein change: p.Asn799=; no amino-acid change (asparagine 799 retained).
Molecular consequence: synonymous variant. On other transcripts: intron variant (6).
Genome position (GRCh38, 1-based): chr2:47,809,649, G>A on the plus strand (C>T on the coding strand, the complement: FBXO11 is on the minus strand). VCF-style: chr2-47809649-G-A. GRCh37 (hg19) VCF-style: chr2-48036788-G-A.
Other names: c.2145C>T, p.Asn715= (NM_001374325.1, NM_025133.4); c.*44-350G>A (NM_001406809.1); c.*41-350G>A (NM_001406796.1, NM_001406811.1, NM_001406805.1 and 2 more transcripts).
Identifiers: ClinVar variation 2650886 (VCV002650886.22), dbSNP rs2530962439, ClinGen allele CA426003008.